The following is an entry in ClinVar:

NM_003055.3(SLC18A3):c.781G>A (p.Ala261Thr)

Genes: CHAT (choline O-acetyltransferase; plus strand), SLC18A3 (solute carrier family 18 member A3; plus strand). Cytogenetic location: 10q11.23.
Variant type: single nucleotide variant.
Coding change: c.781G>A on transcript NM_003055.3 (MANE Select); coding-DNA position 781, G replaced by A.
Protein change: p.Ala261Thr; replaces alanine 261 with threonine.
Molecular consequence: missense variant. On other transcripts: intron variant (1).
Genome position (GRCh38, 1-based): chr10:49,611,521, G>A. VCF-style: chr10-49611521-G-A. GRCh37 (hg19) VCF-style: chr10-50819567-G-A.
Other names: c.-69+2322G>A (NM_020984.4); short protein forms A261T.
Identifiers: ClinVar variation 1483241 (VCV001483241.6), dbSNP rs139732053, ClinGen allele CA376720747.

ClinVar aggregate classification (germline): Uncertain significance (1 of 4 stars; one submission).

gnomAD v4.1: 1 of 1,601,946 alleles (0.000062%); highest among the groups gnomAD compares: Non-Finnish European, 0.000085%; no homozygotes.

Submission:

Labcorp Genetics (formerly Invitae), Labcorp
Classification: Uncertain significance. Last evaluated: 2022-11-01. Review status: criteria provided, single submitter. Criteria: Invitae Variant Classification Sherloc (09022015). Collection method: clinical testing. Allele origin: germline.
Comment: This sequence change replaces alanine, which is neutral and non-polar, with threonine, which is neutral and polar, at codon 261 of the SLC18A3 protein (p.Ala261Thr). This variant is not present in population databases (gnomAD no frequency). This variant has not been reported in the literature in individuals affected with SLC18A3-related conditions. ClinVar contains an entry for this variant (Variation ID: 1483241). Advanced modeling of protein sequence and biophysical properties (such as structural, functional, and spatial information, amino acid conservation, physicochemical variation, residue mobility, and thermodynamic stability) performed at Invitae indicates that this missense variant is not expected to disrupt SLC18A3 protein function. In summary, the available evidence is currently insufficient to determine the role of this variant in disease. Therefore, it has been classified as a Variant of Uncertain Significance.